The following is an entry in ClinVar:

NM_015602.4(TOR1AIP1):c.1010G>A (p.Arg337Gln)

Gene: TOR1AIP1 (torsin 1A interacting protein 1; plus strand). Cytogenetic location: 1q25.2.
Variant type: single nucleotide variant.
Coding change: c.1010G>A on transcript NM_015602.4 (MANE Select); coding-DNA position 1010, G replaced by A.
Protein change: p.Arg337Gln; replaces arginine 337 with glutamine.
Molecular consequence: missense variant.
Genome position (GRCh38, 1-based): chr1:179,917,497, G>A. VCF-style: chr1-179917497-G-A. GRCh37 (hg19) VCF-style: chr1-179886632-G-A.
Other names: c.1013G>A, p.Arg338Gln (NM_001267578.2); short protein forms R337Q, R338Q.
Identifiers: ClinVar variation 1440666 (VCV001440666.8), dbSNP rs576474780, ClinGen allele CA1269078.

ClinVar aggregate classification (germline): Uncertain significance (1 of 4 stars; one submission).

Conditions:
Autosomal recessive limb-girdle muscular dystrophy type 2Y (MRRSDC). Also called: Muscular dystrophy, autosomal recessive, with rigid spine and distal joint contractures; Muscular dystrophy, limb-girdle, type 2y. Identifiers: Orphanet 424261, MedGen C4511482, MONDO:0014900, OMIM 617072.

Allele frequency attached by ClinVar (database versions not stated): gnomAD 0.00001 and 0.00003; gnomAD exomes 0.00001; ExAC 0.00003; 1000 Genomes Project 30x 0.00016; 1000 Genomes Project 0.00020.
gnomAD v4.1: 22 of 1,613,564 alleles (0.0014%); highest among the groups gnomAD compares: South Asian, 0.0044%; no homozygotes.

Submission:

Labcorp Genetics (formerly Invitae), Labcorp
Classification: Uncertain significance for Autosomal recessive limb-girdle muscular dystrophy type 2Y. Last evaluated: 2022-07-11. Review status: criteria provided, single submitter. Criteria: Invitae Variant Classification Sherloc (09022015). Collection method: clinical testing. Allele origin: germline.
Comment: In summary, the available evidence is currently insufficient to determine the role of this variant in disease. Therefore, it has been classified as a Variant of Uncertain Significance. Algorithms developed to predict the effect of missense changes on protein structure and function (SIFT, PolyPhen-2, Align-GVGD) all suggest that this variant is likely to be tolerated. ClinVar contains an entry for this variant (Variation ID: 1440666). This variant has not been reported in the literature in individuals affected with TOR1AIP1-related conditions. This variant is present in population databases (rs576474780, gnomAD 0.006%). This sequence change replaces arginine, which is basic and polar, with glutamine, which is neutral and polar, at codon 338 of the TOR1AIP1 protein (p.Arg338Gln).